The following is an entry in ClinVar:

ClinVar aggregate classification (germline): Uncertain significance (1 of 4 stars; one submission).

Conditions:
Woodhouse-Sakati syndrome. Also called: Hypogonadism, Alopecia, Diabetes Mellitus, Mental Retardation, and Extrapyramidal Syndrome; Hypogonadism, diabetes mellitus, alopecia, mental retardation and electrocardiographic abnormalities; EXTRAPYRAMIDAL DISORDER, PROGRESSIVE, WITH PRIMARY HYPOGONADISM, MENTAL RETARDATION, AND ALOPECIA. Identifiers: Orphanet 3464, MedGen C0342286, MONDO:0009419, OMIM 241080.

Allele frequency attached by ClinVar (database versions not stated): gnomAD exomes below 0.00001.
gnomAD v4.1: 1 of 1,614,104 alleles (0.000062%); highest among the groups gnomAD compares: Non-Finnish European, 0.000085%; no homozygotes.

Submission:

Labcorp Genetics (formerly Invitae), Labcorp
Classification: Uncertain significance for Woodhouse-Sakati syndrome. Last evaluated: 2021-12-20. Review status: criteria provided, single submitter. Criteria: Invitae Variant Classification Sherloc (09022015). Collection method: clinical testing. Allele origin: germline.
Comment: Algorithms developed to predict the effect of missense changes on protein structure and function are either unavailable or do not agree on the potential impact of this missense change (SIFT: "Deleterious"; PolyPhen-2: "Probably Damaging"; Align-GVGD: "Class C0"). This variant has not been reported in the literature in individuals affected with DCAF17-related conditions. This variant is not present in population databases (gnomAD no frequency). This sequence change replaces aspartic acid, which is acidic and polar, with histidine, which is basic and polar, at codon 216 of the DCAF17 protein (p.Asp216His). In summary, the available evidence is currently insufficient to determine the role of this variant in disease. Therefore, it has been classified as a Variant of Uncertain Significance.

NM_025000.4(DCAF17):c.646G>C (p.Asp216His)

Gene: DCAF17 (DDB1 and CUL4 associated factor 17; plus strand). Cytogenetic location: 2q31.1.
Variant type: single nucleotide variant.
Coding change: c.646G>C on transcript NM_025000.4 (MANE Select); coding-DNA position 646, G replaced by C.
Protein change: p.Asp216His; replaces aspartic acid 216 with histidine.
Molecular consequence: missense variant. On other transcripts: non-coding transcript variant (1).
Genome position (GRCh38, 1-based): chr2:171,457,989, G>C. VCF-style: chr2-171457989-G-C. GRCh37 (hg19) VCF-style: chr2-172314499-G-C.
Other names: c.646G>C, p.Asp216His (NM_001164821.2); short protein forms D216H.
Identifiers: ClinVar variation 2050396 (VCV002050396.4), dbSNP rs2529720384, ClinGen allele CA349277278.